The following is an entry in ClinVar:

ClinVar aggregate classification (germline): Uncertain significance (1 of 4 stars; one submission).

Conditions:
Inborn genetic diseases. Identifiers: MedGen C0950123, MeSH D030342.

Submission:

Ambry Genetics
Classification: Uncertain significance for Inborn genetic diseases. Last evaluated: 2026-03-03. Review status: criteria provided, single submitter. Criteria: Ambry Variant Classification Scheme 2023. Collection method: clinical testing. Allele origin: germline.
Comment: The p.V223L variant (also known as c.667G>C), located in coding exon 8 of the ASXL1 gene, results from a G to C substitution at nucleotide position 667. The valine at codon 223 is replaced by leucine, an amino acid with highly similar properties. This amino acid position is conserved. In addition, this alteration is predicted to be tolerated by in silico analysis. Based on the available evidence, the clinical significance of this variant remains unclear.

NM_015338.6(ASXL1):c.667G>C (p.Val223Leu)

Gene: ASXL1 (ASXL transcriptional regulator 1; plus strand). Cytogenetic location: 20q11.21.
Variant type: single nucleotide variant.
Coding change: c.667G>C on transcript NM_015338.6 (MANE Select); coding-DNA position 667, G replaced by C.
Protein change: p.Val223Leu; replaces valine 223 with leucine.
Molecular consequence: missense variant. On other transcripts: intron variant (1).
Genome position (GRCh38, 1-based): chr20:32,430,002, G>C. VCF-style: chr20-32430002-G-C. GRCh37 (hg19) VCF-style: chr20-31017805-G-C.
Other names: c.535+571G>C (NM_001363734.1); short protein forms V223L.
Identifiers: ClinVar variation 4827406 (VCV004827406.1).